The following is an entry in ClinVar:

ClinVar aggregate classification (germline): Uncertain significance. Review status: criteria provided, multiple submitters, no conflicts (2 of 4 stars). 4 submissions from 4 submitters: Uncertain significance (4). Last evaluated 2025-11-16.

Conditions:
Cardiovascular phenotype. Identifiers: MedGen CN230736.
Dilated cardiomyopathy 1W (CMD1W). Identifiers: Orphanet 154, MedGen C1969639, MONDO:0012667, OMIM 611407.
Hypertrophic cardiomyopathy 15. Identifiers: MedGen C2750459, MONDO:0013200, OMIM 613255.

Allele frequency attached by ClinVar (database versions not stated): gnomAD 0.00001; gnomAD exomes 0.00001 and 0.00002; ExAC 0.00002; TOPMed 0.00002.
gnomAD v4.1: 18 of 1,613,958 alleles (0.0011%); highest among the groups gnomAD compares: Admixed American, 0.0067%; no homozygotes.

Submissions (4):

Labcorp Genetics (formerly Invitae), Labcorp
Classification: Uncertain significance for Dilated cardiomyopathy 1W. Last evaluated: 2025-11-16. Review status: criteria provided, single submitter. Criteria: Invitae Variant Classification Sherloc (09022015). Collection method: clinical testing. Allele origin: germline.
Comment: This sequence change replaces arginine, which is basic and polar, with tryptophan, which is neutral and slightly polar, at codon 416 of the VCL protein (p.Arg416Trp). This variant is present in population databases (rs746004026, gnomAD 0.009%). This variant has not been reported in the literature in individuals affected with VCL-related conditions. ClinVar contains an entry for this variant (Variation ID: 944159). An algorithm developed to predict the effect of missense changes on protein structure and function (PolyPhen-2) suggests that this variant is likely to be disruptive. In summary, the available evidence is currently insufficient to determine the role of this variant in disease. Therefore, it has been classified as a Variant of Uncertain Significance.

Ambry Genetics
Classification: Uncertain significance for Cardiovascular phenotype. Last evaluated: 2025-04-08. Review status: criteria provided, single submitter. Criteria: Ambry Variant Classification Scheme 2023. Collection method: clinical testing. Allele origin: germline.

Blueprint Genetics
Classification: Uncertain significance. Last evaluated: 2023-10-24. Review status: criteria provided, single submitter. Criteria: ACMG Guidelines, 2015. Collection method: clinical testing. Allele origin: germline.

Fulgent Genetics
Classification: Uncertain significance for Dilated cardiomyopathy 1W; Hypertrophic cardiomyopathy 15. Last evaluated: 2021-10-15. Review status: criteria provided, single submitter. Criteria: ACMG Guidelines, 2015. Collection method: clinical testing. Allele origin: unknown.

NM_014000.3(VCL):c.1246C>T (p.Arg416Trp)

Gene: VCL (vinculin; plus strand). Cytogenetic location: 10q22.2.
Variant type: single nucleotide variant.
Coding change: c.1246C>T on transcript NM_014000.3 (MANE Select); coding-DNA position 1246, C replaced by T.
Protein change: p.Arg416Trp; replaces arginine 416 with tryptophan.
Molecular consequence: missense variant.
Genome position (GRCh38, 1-based): chr10:74,090,092, C>T. VCF-style: chr10-74090092-C-T. GRCh37 (hg19) VCF-style: chr10-75849850-C-T.
Other names: c.1246C>T, p.Arg416Trp (NM_003373.4); short protein forms R416W.
Identifiers: ClinVar variation 944159 (VCV000944159.13), dbSNP rs746004026, ClinGen allele CA5562958.
Genomic context (GRCh38, chr10:74,090,092, plus strand): 5'-GCAGATCCAAATGGTGGACCGGAAGGAGAAGAGCAGATTCGAGGTGCTTTGGCTGAAGCT[C>T]GGAAAATAGCAGAATTATGTGATGATCCTAAAGAAAGAGATGACATTCTACGTTCCCTTG-3'
Protein context (NP_054706.1, residues 406-426): EQIRGALAEA[Arg416Trp]KIAELCDDPK